The following is an entry in ClinVar:

ClinVar aggregate classification (germline): Likely pathogenic (1 of 4 stars; one submission).

Submission:

CeGaT Center for Human Genetics Tuebingen
Classification: Likely pathogenic. Last evaluated: 2025-02-01. Review status: criteria provided, single submitter. Criteria: CeGaT Center For Human Genetics Tuebingen Variant Classification Criteria Version 2. Collection method: clinical testing. Allele origin: germline. Affected: yes. Observed: 1 variant allele.
Comment: PLA2G6: PM1, PM2, PM3:Supporting, PM5:Supporting, PP3

NM_003560.4(PLA2G6):c.1647C>A (p.Phe549Leu)

Gene: PLA2G6 (phospholipase A2 group VI; minus strand). Cytogenetic location: 22q13.1.
Variant type: single nucleotide variant.
Coding change: c.1647C>A on transcript NM_003560.4 (MANE Select); coding-DNA position 1647, C replaced by A.
Protein change: p.Phe549Leu; replaces phenylalanine 549 with leucine.
Molecular consequence: missense variant.
Genome position (GRCh38, 1-based): chr22:38,120,854, G>T on the plus strand (C>A on the coding strand, the complement: PLA2G6 is on the minus strand). VCF-style: chr22-38120854-G-T. GRCh37 (hg19) VCF-style: chr22-38516861-G-T.
Other names: c.1485C>A, p.Phe495Leu (NM_001004426.3, NM_001199562.3, NM_001349865.2 and 1 more transcripts); c.1647C>A, p.Phe549Leu (NM_001349864.2); c.1113C>A, p.Phe371Leu (NM_001349867.2); c.969C>A, p.Phe323Leu (NM_001349868.2); c.951C>A, p.Phe317Leu (NM_001349869.2); short protein forms F317L, F323L, F371L, F495L, F549L.
Identifiers: ClinVar variation 3778377 (VCV003778377.7).
Genomic context (GRCh38, chr22:38,120,854, plus strand): 5'-CCCAAACTCCCGCTTCAGGAACTCCTCCAGGGGCCCCGACTCGTAGGGCCTGGAGCCCCG[G>T]AACACCTCATCCTTCATGCGAAAGTACATGCCGCGCATGTAGGCCATGGACTTACCTAGG-3'
Protein context (NP_003551.2, residues 539-559): GMYFRMKDEV[Phe549Leu]RGSRPYESGP